The following is an entry in ClinVar:

NM_015404.4(WHRN):c.2188G>A (p.Asp730Asn)

Gene: WHRN (whirlin; minus strand). Cytogenetic location: 9q32.
Variant type: single nucleotide variant.
Coding change: c.2188G>A on transcript NM_015404.4 (MANE Select); coding-DNA position 2188, G replaced by A.
Protein change: p.Asp730Asn; replaces aspartic acid 730 with asparagine.
Molecular consequence: missense variant.
Genome position (GRCh38, 1-based): chr9:114,406,403, C>T on the plus strand (G>A on the coding strand, the complement: WHRN is on the minus strand). VCF-style: chr9-114406403-C-T. GRCh37 (hg19) VCF-style: chr9-117168683-C-T.
Other names: c.1039G>A, p.Asp347Asn (NM_001083885.3); c.2188G>A, p.Asp730Asn (NM_001173425.2); c.1135G>A, p.Asp379Asn (NM_001346890.1); short protein forms D347N, D730N, D379N.
Identifiers: ClinVar variation 1505836 (VCV001505836.5), dbSNP rs533697311, ClinGen allele CA5205724.

ClinVar aggregate classification (germline): Uncertain significance (1 of 4 stars; one submission).

Allele frequency attached by ClinVar (database versions not stated): TOPMed 0.00003; 1000 Genomes Project 30x 0.00016; ExAC 0.00003; gnomAD 0.00003; gnomAD exomes 0.00004; 1000 Genomes Project 0.00020.
gnomAD v4.1: 32 of 1,614,158 alleles (0.002%); highest among the groups gnomAD compares: Middle Eastern, 0.016%; no homozygotes.

Submission:

Labcorp Genetics (formerly Invitae), Labcorp
Classification: Uncertain significance. Last evaluated: 2022-08-07. Review status: criteria provided, single submitter. Criteria: Invitae Variant Classification Sherloc (09022015). Collection method: clinical testing. Allele origin: germline.
Comment: This sequence change replaces aspartic acid, which is acidic and polar, with asparagine, which is neutral and polar, at codon 730 of the WHRN protein (p.Asp730Asn). This variant is present in population databases (rs533697311, gnomAD 0.03%). This variant has not been reported in the literature in individuals affected with WHRN-related conditions. ClinVar contains an entry for this variant (Variation ID: 1505836). Algorithms developed to predict the effect of missense changes on protein structure and function output the following: SIFT: "Tolerated"; PolyPhen-2: "Benign"; Align-GVGD: "Class C0". The asparagine amino acid residue is found in multiple mammalian species, which suggests that this missense change does not adversely affect protein function. In summary, the available evidence is currently insufficient to determine the role of this variant in disease. Therefore, it has been classified as a Variant of Uncertain Significance.